The following is an entry in ClinVar:

NM_000094.4(COL7A1):c.1741C>T (p.Pro581Ser)

Gene: COL7A1 (collagen type VII alpha 1 chain; minus strand). Cytogenetic location: 3p21.31.
Variant type: single nucleotide variant.
Coding change: c.1741C>T on transcript NM_000094.4 (MANE Select); coding-DNA position 1741, C replaced by T.
Protein change: p.Pro581Ser; replaces proline 581 with serine.
Molecular consequence: missense variant.
Genome position (GRCh38, 1-based): chr3:48,590,712, G>A on the plus strand (C>T on the coding strand, the complement: COL7A1 is on the minus strand). VCF-style: chr3-48590712-G-A. GRCh37 (hg19) VCF-style: chr3-48628145-G-A.
Other names: short protein forms P581S.
Identifiers: ClinVar variation 2058430 (VCV002058430.3), dbSNP rs751523859, ClinGen allele CA2381131.

ClinVar aggregate classification (germline): Conflicting classifications of pathogenicity. Review status: criteria provided, conflicting classifications (1 of 4 stars). 2 submissions from 2 submitters: Uncertain significance (1); Likely benign (1). Last evaluated 2025-07-14.

Conditions:
Inborn genetic diseases. Identifiers: MedGen C0950123, MeSH D030342.

Allele frequency attached by ClinVar (database versions not stated): ExAC 0.00002; gnomAD 0.00002; TOPMed 0.00002; gnomAD exomes 0.00012.
gnomAD v4.1: 182 of 1,613,882 alleles (0.011%); highest among the groups gnomAD compares: Non-Finnish European, 0.015%; no homozygotes.

Submissions (2):

Ambry Genetics
Classification: Likely benign for Inborn genetic diseases. Last evaluated: 2025-07-14. Review status: criteria provided, single submitter. Criteria: Ambry Variant Classification Scheme 2023. Collection method: clinical testing. Allele origin: germline.

Labcorp Genetics (formerly Invitae), Labcorp
Classification: Uncertain significance. Last evaluated: 2025-01-25. Review status: criteria provided, single submitter. Criteria: Invitae Variant Classification Sherloc (09022015). Collection method: clinical testing. Allele origin: germline.
Comment: This sequence change replaces proline, which is neutral and non-polar, with serine, which is neutral and polar, at codon 581 of the COL7A1 protein (p.Pro581Ser). This variant is present in population databases (rs751523859, gnomAD 0.004%). This variant has not been reported in the literature in individuals affected with COL7A1-related conditions. ClinVar contains an entry for this variant (Variation ID: 2058430). Invitae Evidence Modeling of protein sequence and biophysical properties (such as structural, functional, and spatial information, amino acid conservation, physicochemical variation, residue mobility, and thermodynamic stability) indicates that this missense variant is not expected to disrupt COL7A1 protein function with a negative predictive value of 95%. In summary, the available evidence is currently insufficient to determine the role of this variant in disease. Therefore, it has been classified as a Variant of Uncertain Significance.